The following is an entry in ClinVar:

NM_006506.5(RASA2):c.29C>T (p.Ala10Val)

Genes: RASA2 (RAS p21 protein activator 2; plus strand), LOC129937686 (ATAC-STARR-seq lymphoblastoid silent region 14777; plus strand). Cytogenetic location: 3q23.
Variant type: single nucleotide variant.
Coding change: c.29C>T on transcript NM_006506.5 (MANE Select); coding-DNA position 29, C replaced by T.
Protein change: p.Ala10Val; replaces alanine 10 with valine.
Molecular consequence: missense variant.
Genome position (GRCh38, 1-based): chr3:141,487,112, C>T. VCF-style: chr3-141487112-C-T. GRCh37 (hg19) VCF-style: chr3-141205954-C-T.
Other names: c.29C>T, p.Ala10Val (NM_001303245.3, NM_001303246.3); short protein forms A10V.
Identifiers: ClinVar variation 1384259 (VCV001384259.6), dbSNP rs1461949496, ClinGen allele CA354773536.
Genomic context (GRCh38, chr3:141,487,112, plus strand): 5'-CGGCAGGGCTGCGGCACGGGCCGGGCGGCACCATGGCGGCGGCGGCGCCTGCTGCTGCGG[C>T]GGCTTCTTCCGAGGCGCCAGCGGCGAGTGCGACTGCAGAGCCCGAGGCCGGGGACCAGGA-3'
Protein context (NP_006497.2, residues 1-20): MAAAAPAAA[Ala10Val]ASSEAPAASA

ClinVar aggregate classification (germline): Uncertain significance (1 of 4 stars; one submission).

Allele frequency attached by ClinVar (database versions not stated): TOPMed below 0.00001; gnomAD 0.00001.

Submission:

Labcorp Genetics (formerly Invitae), Labcorp
Classification: Uncertain significance. Last evaluated: 2022-08-09. Review status: criteria provided, single submitter. Criteria: Invitae Variant Classification Sherloc (09022015). Collection method: clinical testing. Allele origin: germline.
Comment: Algorithms developed to predict the effect of missense changes on protein structure and function are either unavailable or do not agree on the potential impact of this missense change (SIFT: "Tolerated"; PolyPhen-2: "Not Available"; Align-GVGD: "Class C0"). In summary, the available evidence is currently insufficient to determine the role of this variant in disease. Therefore, it has been classified as a Variant of Uncertain Significance. This sequence change replaces alanine, which is neutral and non-polar, with valine, which is neutral and non-polar, at codon 10 of the RASA2 protein (p.Ala10Val). This variant is not present in population databases (gnomAD no frequency). This variant has not been reported in the literature in individuals affected with RASA2-related conditions. ClinVar contains an entry for this variant (Variation ID: 1384259).